The following is an entry in ClinVar:

ClinVar aggregate classification (germline): Uncertain significance (1 of 4 stars; one submission).

gnomAD v4.1: 12 of 1,610,178 alleles (0.00075%); highest among the groups gnomAD compares: Non-Finnish European, 0.001%; no homozygotes.

Submission:

Labcorp Genetics (formerly Invitae), Labcorp
Classification: Uncertain significance. Last evaluated: 2025-05-04. Review status: criteria provided, single submitter. Criteria: Invitae Variant Classification Sherloc (09022015). Collection method: clinical testing. Allele origin: germline.
Comment: This sequence change falls in intron 5 of the CD81 gene. It does not directly change the encoded amino acid sequence of the CD81 protein. It affects a nucleotide within the consensus splice site. This variant is present in population databases (rs116421908, gnomAD 0.002%). This variant has not been reported in the literature in individuals affected with CD81-related conditions. ClinVar contains an entry for this variant (Variation ID: 2794246). Variants that disrupt the consensus splice site are a relatively common cause of aberrant splicing (PMID: 17576681, 9536098). Algorithms developed to predict the effect of sequence changes on RNA splicing suggest that this variant is not likely to affect RNA splicing. In summary, the available evidence is currently insufficient to determine the role of this variant in disease. Therefore, it has been classified as a Variant of Uncertain Significance.

Literature cited by the submitters: PubMed 17576681; PubMed 9536098.

NM_004356.4(CD81):c.459+4C>G

Gene: CD81 (CD81 molecule; plus strand). Cytogenetic location: 11p15.5.
Variant type: single nucleotide variant.
Coding change: c.459+4C>G on transcript NM_004356.4 (MANE Select); 4 bases into the intron after coding-DNA position 459, C replaced by G.
Molecular consequence: intron variant.
Genome position (GRCh38, 1-based): chr11:2,395,524, C>G. VCF-style: chr11-2395524-C-G. GRCh37 (hg19) VCF-style: chr11-2416754-C-G.
Other names: c.246+4C>G (NM_001297649.2).
Identifiers: ClinVar variation 2794246 (VCV002794246.3), dbSNP rs116421908, ClinGen allele CA5820012.